The following is an entry in ClinVar:

NM_002693.3(POLG):c.3632G>A (p.Gly1211Glu)

Gene: POLG (DNA polymerase gamma, catalytic subunit; minus strand). Cytogenetic location: 15q26.1.
Variant type: single nucleotide variant.
Coding change: c.3632G>A on transcript NM_002693.3 (MANE Select); coding-DNA position 3632, G replaced by A.
Protein change: p.Gly1211Glu; replaces glycine 1211 with glutamic acid.
Molecular consequence: missense variant.
Genome position (GRCh38, 1-based): chr15:89,317,387, C>T on the plus strand (G>A on the coding strand, the complement: POLG is on the minus strand). VCF-style: chr15-89317387-C-T. GRCh37 (hg19) VCF-style: chr15-89860618-C-T.
Other names: c.3632G>A, p.Gly1211Glu (NM_001126131.2); short protein forms G1211E.
Identifiers: ClinVar variation 4780465 (VCV004780465.1).
Genomic context (GRCh38, chr15:89,317,387, plus strand): 5'-GTCCACCTCAGATCCTATGTGTAATGAGGAACAAATGTGTTGTGCTCACCCTGGGGAATC[C>T]CGTATCTCCTTTCCATCCCAGTTGGGTTGGAAGGGGTTTTACAATCCATGGTCACTTCCT-3'
Protein context (NP_002684.1, residues 1201-1221): SNPTGMERRY[Gly1211Glu]IPQGEALDIY

ClinVar aggregate classification (germline): Uncertain significance (1 of 4 stars; one submission).

Conditions:
Progressive sclerosing poliodystrophy (MTDPS4A). Also called: Mitochondrial DNA depletion syndrome 4A (Alpers type); ALPERS DIFFUSE DEGENERATION OF CEREBRAL GRAY MATTER WITH HEPATIC CIRRHOSIS; Alpers-Huttenlocher Syndrome; Mitochondrial DNA Depletion Syndrome 4A; Alpers-Huttenlocher Syndrome (AHS); ALPERS PROGRESSIVE INFANTILE POLIODYSTROPHY. Identifiers: Orphanet 726, MedGen C0205710, MONDO:0008758, OMIM 203700.

Submission:

Labcorp Genetics (formerly Invitae), Labcorp
Classification: Uncertain significance for Progressive sclerosing poliodystrophy. Last evaluated: 2026-01-19. Review status: criteria provided, single submitter. Criteria: Invitae Variant Classification Sherloc (09022015). Collection method: clinical testing. Allele origin: germline.
Comment: This sequence change replaces glycine, which is neutral and non-polar, with glutamic acid, which is acidic and polar, at codon 1211 of the POLG protein (p.Gly1211Glu). This variant is not present in population databases (gnomAD no frequency). This variant has not been reported in the literature in individuals affected with POLG-related conditions. Invitae Evidence Modeling of protein sequence and biophysical properties (such as structural, functional, and spatial information, amino acid conservation, physicochemical variation, residue mobility, and thermodynamic stability) has been performed for this missense variant. However, the output from this modeling did not meet the statistical confidence thresholds required to predict the impact of this variant on POLG protein function. In summary, the available evidence is currently insufficient to determine the role of this variant in disease. Therefore, it has been classified as a Variant of Uncertain Significance.